The following is an entry in ClinVar:

ClinVar aggregate classification (germline): Uncertain significance. Review status: criteria provided, multiple submitters, no conflicts (2 of 4 stars). 2 submissions from 2 submitters: Uncertain significance (2). Last evaluated 2025-04-10.

Conditions:
Methylcobalamin deficiency type cblE (HMAE). Also called: VITAMIN B12-RESPONSIVE HOMOCYSTINURIA, cblE TYPE; HOMOCYSTINURIA-MEGALOBLASTIC ANEMIA, cblE COMPLEMENTATION TYPE; HOMOCYSTINURIA-MEGALOBLASTIC ANEMIA, cblE TYPE. Identifiers: Orphanet 2169, Orphanet 622, MedGen C1856057, MONDO:0009354, OMIM 236270.
Inborn genetic diseases. Identifiers: MedGen C0950123, MeSH D030342.

Allele frequency attached by ClinVar (database versions not stated): gnomAD exomes below 0.00001 and 0.00001; gnomAD 0.00004; TOPMed 0.00007.
gnomAD v4.1: 8 of 1,614,028 alleles (0.0005%); highest among the groups gnomAD compares: Admixed American, 0.013%; no homozygotes.

Submissions (2):

Ambry Genetics
Classification: Uncertain significance for Inborn genetic diseases. Last evaluated: 2025-04-10. Review status: criteria provided, single submitter. Criteria: Ambry Variant Classification Scheme 2023. Collection method: clinical testing. Allele origin: germline.

Labcorp Genetics (formerly Invitae), Labcorp
Classification: Uncertain significance for Methylcobalamin deficiency type cblE. Last evaluated: 2022-04-06. Review status: criteria provided, single submitter. Criteria: Invitae Variant Classification Sherloc (09022015). Collection method: clinical testing. Allele origin: germline.
Comment: This sequence change replaces cysteine, which is neutral and slightly polar, with glycine, which is neutral and non-polar, at codon 340 of the MTRR protein (p.Cys340Gly). This variant is present in population databases (no rsID available, gnomAD 0.006%). This variant has not been reported in the literature in individuals affected with MTRR-related conditions. Algorithms developed to predict the effect of missense changes on protein structure and function (SIFT, PolyPhen-2, Align-GVGD) all suggest that this variant is likely to be tolerated. In summary, the available evidence is currently insufficient to determine the role of this variant in disease. Therefore, it has been classified as a Variant of Uncertain Significance.

NM_002454.3(MTRR):c.1018T>G (p.Cys340Gly)

Gene: MTRR (5-methyltetrahydrofolate-homocysteine methyltransferase reductase; plus strand). Cytogenetic location: 5p15.31.
Variant type: single nucleotide variant.
Coding change: c.1018T>G on transcript NM_002454.3 (MANE Select); coding-DNA position 1018, T replaced by G.
Protein change: p.Cys340Gly; replaces cysteine 340 with glycine.
Molecular consequence: missense variant. On other transcripts: non-coding transcript variant (14).
Genome position (GRCh38, 1-based): chr5:7,885,815, T>G. VCF-style: chr5-7885815-T-G. GRCh37 (hg19) VCF-style: chr5-7885928-T-G.
Other names: c.1018T>G (NM_002454.2); c.1018T>G, p.Cys340Gly (NM_001364440.2, NM_001364441.2, NM_001364442.2 and 1 more transcripts); short protein forms C340G.
Identifiers: ClinVar variation 1424591 (VCV001424591.6), dbSNP rs1183944927, ClinGen allele CA359157987.